The following is an entry in ClinVar:

NM_004204.5(PIGQ):c.184G>A (p.Val62Met)

Gene: PIGQ (phosphatidylinositol glycan anchor biosynthesis class Q; plus strand). Cytogenetic location: 16p13.3.
Variant type: single nucleotide variant.
Coding change: c.184G>A on transcript NM_004204.5 (MANE Select); coding-DNA position 184, G replaced by A.
Protein change: p.Val62Met; replaces valine 62 with methionine.
Molecular consequence: missense variant.
Genome position (GRCh38, 1-based): chr16:574,258, G>A. VCF-style: chr16-574258-G-A. GRCh37 (hg19) VCF-style: chr16-624258-G-A.
Other names: c.184G>A, p.Val62Met (NM_148920.4); short protein forms V62M.
Identifiers: ClinVar variation 834699 (VCV000834699.5), dbSNP rs770308646, ClinGen allele CA7779802.

ClinVar aggregate classification (germline): Uncertain significance (1 of 4 stars; one submission).

Conditions:
Epilepsy. Also called: Seizure disorder. Identifiers: MedGen C0014544, MeSH D004827, MONDO:0005027.

Allele frequency attached by ClinVar (database versions not stated): gnomAD exomes 0.00002; ExAC 0.00006; TOPMed 0.00006.

Submission:

Labcorp Genetics (formerly Invitae), Labcorp
Classification: Uncertain significance for Epilepsy. Last evaluated: 2022-08-23. Review status: criteria provided, single submitter. Criteria: Invitae Variant Classification Sherloc (09022015). Collection method: clinical testing. Allele origin: germline.
Comment: This sequence change replaces valine, which is neutral and non-polar, with methionine, which is neutral and non-polar, at codon 62 of the PIGQ protein (p.Val62Met). This variant is present in population databases (rs770308646, gnomAD 0.02%). This variant has not been reported in the literature in individuals affected with PIGQ-related conditions. ClinVar contains an entry for this variant (Variation ID: 834699). Algorithms developed to predict the effect of missense changes on protein structure and function are either unavailable or do not agree on the potential impact of this missense change (SIFT: "Tolerated"; PolyPhen-2: "Probably Damaging"; Align-GVGD: "Class C0"). In summary, the available evidence is currently insufficient to determine the role of this variant in disease. Therefore, it has been classified as a Variant of Uncertain Significance.